The following is an entry in ClinVar:

ClinVar aggregate classification (germline): Likely pathogenic (1 of 4 stars; one submission).

Conditions:
Inborn genetic diseases. Identifiers: MedGen C0950123, MeSH D030342.

Submission:

Ambry Genetics
Classification: Likely pathogenic for Inborn genetic diseases. Last evaluated: 2021-08-27. Review status: criteria provided, single submitter. Criteria: Ambry Variant Classification Scheme 2023. Collection method: clinical testing. Allele origin: germline.
Comment: The c.78C>A (p.Y26*) alteration, located in exon 2 (coding exon 2) of the C19orf70 gene, consists of a C to A substitution at nucleotide position 78. This changes the amino acid from a tyrosine (Y) to a stop codon at amino acid position 26. The predicted stop codon occurs in the 5' end of the C19orf70 gene. Premature termination codons in the 5&rsquo; end of a gene have been reported to escape nonsense-mediated mRNA decay and/or lead to re-initiation (Rivas, 2015; Lindeboom, 2016; Rhee, 2017). Direct evidence for this alteration is unavailable; however, premature termination codons are typically deleterious in nature. This variant was not reported in population-based cohorts in the Genome Aggregation Database (gnomAD). Based on the available evidence, this alteration is classified as likely pathogenic.

Literature cited by the submitters: PubMed 25954003; PubMed 27618451; PubMed 28490743.

NM_205767.3(MICOS13):c.78C>A (p.Tyr26Ter)

Genes: MICOS13 (mitochondrial contact site and cristae organizing system subunit 13; minus strand), LOC130063256 (ATAC-STARR-seq lymphoblastoid active region 13805; plus strand). Cytogenetic location: 19p13.3.
Variant type: single nucleotide variant.
Coding change: c.78C>A on transcript NM_205767.3 (MANE Select); coding-DNA position 78, C replaced by A.
Protein change: p.Tyr26Ter; replaces tyrosine 26 with a stop codon.
Molecular consequence: nonsense.
Genome position (GRCh38, 1-based): chr19:5,679,715, G>T on the plus strand (C>A on the coding strand, the complement: MICOS13 is on the minus strand). VCF-style: chr19-5679715-G-T. GRCh37 (hg19) VCF-style: chr19-5679726-G-T.
Other names: c.144C>A, p.Tyr48Ter (NM_001308240.2, NM_001365761.2); short protein forms Y26*, Y48*.
Identifiers: ClinVar variation 3126314 (VCV003126314.1), dbSNP rs1407611048, ClinGen allele CA403542669.